The following is an entry in ClinVar:

ClinVar aggregate classification (germline): Uncertain significance (1 of 4 stars; one submission).

Conditions:
Chondrodysplasia punctata, brachytelephalangic, autosomal. Also called: BRACHYTELEPHALANGIC CHONDRODYSPLASIA PUNCTATA. Identifiers: MedGen C1844853, MONDO:0011238, OMIM 602497.

Allele frequency attached by ClinVar (database versions not stated): gnomAD exomes 0.00001 and 0.00003; ExAC 0.00003; TOPMed 0.00004; gnomAD 0.00007 and 0.00008.
gnomAD v4.1: 14 of 1,208,194 alleles (0.0012%); highest among the groups gnomAD compares: African/African-American, 0.021%; no homozygotes.

Submission:

Labcorp Genetics (formerly Invitae), Labcorp
Classification: Uncertain significance for Chondrodysplasia punctata, brachytelephalangic, autosomal. Last evaluated: 2022-07-14. Review status: criteria provided, single submitter. Criteria: Invitae Variant Classification Sherloc (09022015). Collection method: clinical testing. Allele origin: germline.
Comment: This sequence change replaces asparagine, which is neutral and polar, with serine, which is neutral and polar, at codon 198 of the ARSE protein (p.Asn198Ser). This variant is present in population databases (rs780625663, gnomAD 0.03%). This variant has not been reported in the literature in individuals affected with ARSE-related conditions. ClinVar contains an entry for this variant (Variation ID: 1683198). Algorithms developed to predict the effect of missense changes on protein structure and function output the following: SIFT: "Tolerated"; PolyPhen-2: "Benign"; Align-GVGD: "Class C0". The serine amino acid residue is found in multiple mammalian species, which suggests that this missense change does not adversely affect protein function. In summary, the available evidence is currently insufficient to determine the role of this variant in disease. Therefore, it has been classified as a Variant of Uncertain Significance.

NM_000047.3(ARSL):c.593A>G (p.Asn198Ser)

Gene: ARSL (arylsulfatase L; minus strand). Cytogenetic location: Xp22.33.
Variant type: single nucleotide variant.
Coding change: c.593A>G on transcript NM_000047.3 (MANE Select); coding-DNA position 593, A replaced by G.
Protein change: p.Asn198Ser; replaces asparagine 198 with serine.
Molecular consequence: missense variant.
Genome position (GRCh38, 1-based): chrX:2,949,565, T>C on the plus strand (A>G on the coding strand, the complement: ARSL is on the minus strand). VCF-style: chrX-2949565-T-C. GRCh37 (hg19) VCF-style: chrX-2867606-T-C.
Other names: c.668A>G, p.Asn223Ser (NM_001282628.2, NM_001369080.1); c.431A>G, p.Asn144Ser (NM_001282631.2); c.620A>G, p.Asn207Ser (NM_001369079.1); short protein forms N144S, N198S, N207S, N223S.
Identifiers: ClinVar variation 1683198 (VCV001683198.3), dbSNP rs780625663, ClinGen allele CA10338175.
Genomic context (GRCh38, chrX:2,949,565, plus strand): 5'-TGTGTGAGCTTCCCTGCTACCAGTGTGAGGGCAACCAAGGCCAGGACTTGGAAGAGGAAG[T>C]TGAGTTTTTGTTCCAGGTTGACACGCTTCTCTGAGAGTTCCCAGCGGGCGCAATCACCCA-3'
Protein context (NP_000038.2, residues 188-208): EKRVNLEQKL[Asn198Ser]FLFQVLALVA